The following is an entry in ClinVar:

NM_152564.5(VPS13B):c.6G>T (p.Leu2=)

Gene: VPS13B (vacuolar protein sorting 13 homolog B; plus strand). Cytogenetic location: 8q22.2.
Variant type: single nucleotide variant.
Coding change: c.6G>T on transcript NM_152564.5 (MANE Select); coding-DNA position 6, G replaced by T.
Protein change: p.Leu2=; no amino-acid change (leucine 2 retained).
Molecular consequence: synonymous variant. On other transcripts: non-coding transcript variant (1).
Genome position (GRCh38, 1-based): chr8:99,013,794, G>T. VCF-style: chr8-99013794-G-T. GRCh37 (hg19) VCF-style: chr8-100026022-G-T.
Other names: c.6G>T, p.Leu2= (NM_015243.3, NM_017890.5, NM_181661.3).
Identifiers: ClinVar variation 1112559 (VCV001112559.31), dbSNP rs752072948, ClinGen allele CA4822271.
Genomic context (GRCh38, chr8:99,013,794, plus strand): 5'-CTAACGTTTCTGTCTACTCCTTTCAGCTTCCGACTTCGACTCCTTACCTTAAAAGATGCT[G>T]GAGTCATATGTAACTCCAATTTTAATGAGCTATGTGAATCGCTACATCAAGAACTTAAAG-3'
Protein context (NP_689777.3, residues 1-12): M[Leu2=]ESYVTPILMS

ClinVar aggregate classification (germline): Likely benign. Review status: criteria provided, multiple submitters, no conflicts (2 of 4 stars). 2 submissions from 2 submitters: Likely benign (2). Last evaluated 2024-02-26.

Conditions:
Cohen syndrome (COH1). Also called: Cutis verticis gyrata, retinitis pigmentosa, and sensorineural deafness; PEPPER SYNDROME. Identifiers: Orphanet 193, MedGen C0265223, MONDO:0008999, OMIM 216550.

Allele frequency attached by ClinVar (database versions not stated): TOPMed 0.00001.
gnomAD v4.1: 8 of 1,614,018 alleles (0.0005%); highest among the groups gnomAD compares: Non-Finnish European, 0.00068%; no homozygotes.

Submissions (2):

Labcorp Genetics (formerly Invitae), Labcorp
Classification: Likely benign for Cohen syndrome. Last evaluated: 2024-02-26. Review status: criteria provided, single submitter. Criteria: Invitae Variant Classification Sherloc (09022015). Collection method: clinical testing. Allele origin: germline.

CeGaT Center for Human Genetics Tuebingen
Classification: Likely benign. Last evaluated: 2023-12-01. Review status: criteria provided, single submitter. Criteria: CeGaT Center For Human Genetics Tuebingen Variant Classification Criteria Version 2. Collection method: clinical testing. Allele origin: germline. Affected: yes. Observed: 1 variant allele.
Comment: VPS13B: BP4, BP7